The following is an entry in ClinVar:

ClinVar aggregate classification (germline): Uncertain significance (1 of 4 stars; one submission).

Conditions:
Inborn genetic diseases. Identifiers: MedGen C0950123, MeSH D030342.

gnomAD v4.1: 3 of 1,558,056 alleles (0.00019%); highest among the groups gnomAD compares: Non-Finnish European, 0.00026%; no homozygotes.

Submission:

Ambry Genetics
Classification: Uncertain significance for Inborn genetic diseases. Last evaluated: 2025-02-26. Review status: criteria provided, single submitter. Criteria: Ambry Variant Classification Scheme 2023. Collection method: clinical testing. Allele origin: germline.
Comment: The p.V10L variant (also known as c.28G>T), located in coding exon 1 of the G6PC3 gene, results from a G to T substitution at nucleotide position 28. The valine at codon 10 is replaced by leucine, an amino acid with highly similar properties. This amino acid position is conserved. In addition, this alteration is predicted to be tolerated by in silico analysis. Based on the available evidence, the clinical significance of this variant remains unclear.

NM_138387.4(G6PC3):c.28G>T (p.Val10Leu)

Gene: G6PC3 (glucose-6-phosphatase catalytic subunit 3; plus strand). Cytogenetic location: 17q21.31.
Variant type: single nucleotide variant.
Coding change: c.28G>T on transcript NM_138387.4 (MANE Select); coding-DNA position 28, G replaced by T.
Protein change: p.Val10Leu; replaces valine 10 with leucine.
Molecular consequence: missense variant. On other transcripts: 5 prime UTR variant (3), intron variant (1).
Genome position (GRCh38, 1-based): chr17:44,070,993, G>T. VCF-style: chr17-44070993-G-T. GRCh37 (hg19) VCF-style: chr17-42148361-G-T.
Other names: c.28G>T, p.Val10Leu (NM_001319945.2); c.-377G>T (NM_001384165.1); c.-512G>T (NM_001384166.1); c.-502G>T (NM_001384167.1); c.-312+279G>T (NM_001384168.1); short protein forms V10L.
Identifiers: ClinVar variation 3852376 (VCV003852376.1).